The following is an entry in ClinVar:

ClinVar aggregate classification (germline): Benign. Review status: criteria provided, multiple submitters, no conflicts (2 of 4 stars). 3 submissions from 3 submitters: Benign (3). Last evaluated 2025-12-08.

Allele frequency attached by ClinVar (database versions not stated): ESP Exome Variant Server 0.00008; 1000 Genomes Project 30x 0.00187; 1000 Genomes Project 0.00220.
gnomAD v4.1: 714 of 1,611,412 alleles (0.044%); highest among the groups gnomAD compares: East Asian, 1.6%; 6 homozygotes.

Submissions (3):

Labcorp Genetics (formerly Invitae), Labcorp
Classification: Benign. Last evaluated: 2025-12-08. Review status: criteria provided, single submitter. Criteria: Invitae Variant Classification Sherloc (09022015). Collection method: clinical testing. Allele origin: germline.

Mayo Clinic Laboratories, Mayo Clinic
Classification: Benign. Last evaluated: 2024-10-23. Review status: criteria provided, single submitter. Criteria: ACMG Guidelines, 2015. Collection method: clinical testing. Allele origin: germline. Observed: 2 variant alleles.
Comment: BS1, BS2

Breakthrough Genomics
Classification: Benign. Review status: criteria provided, single submitter. Criteria: ACMG Guidelines, 2015. Collection method: not provided. Allele origin: germline. Inheritance: Autosomal recessive inheritance. Affected: yes.

NM_001368882.1(COL13A1):c.1246G>T (p.Asp416Tyr)

Gene: COL13A1 (collagen type XIII alpha 1 chain; plus strand). Cytogenetic location: 10q22.1.
Variant type: single nucleotide variant.
Coding change: c.1246G>T on transcript NM_001368882.1 (MANE Select); coding-DNA position 1246, G replaced by T.
Protein change: p.Asp416Tyr; replaces aspartic acid 416 with tyrosine.
Molecular consequence: missense variant.
Genome position (GRCh38, 1-based): chr10:69,923,817, G>T. VCF-style: chr10-69923817-G-T. GRCh37 (hg19) VCF-style: chr10-71683573-G-T.
Other names: p.Asp405Tyr; c.1213G>T, p.Asp405Tyr (NM_001130103.2); c.1183G>T, p.Asp395Tyr (NM_001320951.2, NM_001368884.1); c.1210G>T, p.Asp404Tyr (NM_001368883.1); c.1147G>T, p.Asp383Tyr (NM_001368885.1, NM_080801.4, NM_080802.4); c.583G>T, p.Asp195Tyr (NM_001368886.1); c.1156G>T, p.Asp386Tyr (NM_001368895.1, NM_080800.4); c.1042G>T, p.Asp348Tyr (NM_001368896.1, NM_001368898.1, NM_080798.4); and 2 more; short protein forms D195Y, D348Y, D354Y, D357Y, D383Y, D386Y, D395Y, D404Y.
Identifiers: ClinVar variation 1643961 (VCV001643961.10), dbSNP rs117194484, ClinGen allele CA5534649.
Genomic context (GRCh38, chr10:69,923,817, plus strand): 5'-CAGGTGCCCAGCATGCCCTCATCCCAACTCTCTCCTCTTCCCCAGGGAGAAGCAGGTGTC[G>T]ATGGCCAGGTTGGCCCCCCAGGGCAGCCAGGAGACAAGGTACAGAGACCCCCACATCCCA-3'
Protein context (NP_001355811.1, residues 406-426): PPGPKGEAGV[Asp416Tyr]GQVGPPGQPG